The following is an entry in ClinVar:

ClinVar aggregate classification (germline): Conflicting classifications of pathogenicity. Review status: criteria provided, conflicting classifications (1 of 4 stars). 11 submissions from 11 submitters: Uncertain significance (7); Likely benign (4). Last evaluated 2026-04-16.

Conditions:
DSP-related disorder. Also called: DSP-related disorders; DSP-related condition.
Cardiovascular phenotype. Identifiers: MedGen CN230736.
Arrhythmogenic right ventricular dysplasia 8 (ARVD8). Also called: Arrhythmogenic Right Ventricular Dysplasia/Cardiomyopathy 8; ARRHYTHMOGENIC RIGHT VENTRICULAR DYSPLASIA, FAMILIAL, 8; ARRHYTHMOGENIC RIGHT VENTRICULAR CARDIOMYOPATHY 8. Identifiers: MedGen C1843896, MONDO:0011831, OMIM 607450.
Woolly hair-skin fragility syndrome (WHSF). Identifiers: Orphanet 293165, MedGen C1843292, MONDO:0957307, OMIM 620415.
Keratosis palmoplantaris striata 2. Also called: Keratosis palmoplantaris striata II; KERATODERMA, PALMOPLANTAR, STRIATE FORM II; STRIATE PALMOPLANTAR KERATODERMA II. Identifiers: MedGen C1852127, MONDO:0013034, OMIM 612908.
Arrhythmogenic cardiomyopathy with wooly hair and keratoderma. Also called: Dilated cardiomyopathy with woolly hair and keratoderma; Arrhythmogenic cardiomyopathy with woolly hair and keratoderma; Carvajal syndrome; PALMOPLANTAR KERATODERMA WITH LEFT VENTRICULAR CARDIOMYOPATHY AND WOOLLY HAIR. Identifiers: Orphanet 65282, MedGen C1854063, MONDO:0011581, OMIM 605676.
Lethal acantholytic epidermolysis bullosa (EBLA). Identifiers: Orphanet 158687, MedGen C1864826, MONDO:0012323, OMIM 609638.
Cardiomyopathy, dilated, with wooly hair, keratoderma, and tooth agenesis. Also called: Cardiomyopathy, dilated, with woolly hair, keratoderma, and tooth agenesis; Erythrokeratodermia-cardiomyopathy syndrome. Identifiers: Orphanet 476096, Orphanet 65282, MedGen C4014393, MONDO:0014355, OMIM 615821.
Cardiomyopathy (CMYO). Also called: Cardiomyopathies. Identifiers: Orphanet 167848, MedGen C0878544, MONDO:0004994, HP:0001638. Inheritance: Various modes of inheritance.

Allele frequency attached by ClinVar (database versions not stated): gnomAD 0.00014 and 0.00015; ESP Exome Variant Server 0.00015; TOPMed 0.00017.
gnomAD v4.1: 400 of 1,613,742 alleles (0.025%); highest among the groups gnomAD compares: Non-Finnish European, 0.033%; no homozygotes.

Submissions (11):

PreventionGenetics, part of Exact Sciences
Classification: Uncertain significance for DSP-related condition. Last evaluated: 2026-04-16. Review status: criteria provided, single submitter. Criteria: ACMG Guidelines, 2015. Collection method: clinical testing. Allele origin: germline.
Comment: The DSP c.521G>T variant is predicted to result in the amino acid substitution p.Cys174Phe. This variant has been reported in the heterozygous state in individuals with dilated cardiomyopathy (DCM; Table S1A, Walsh et al. 2017. PubMed ID: 27532257), suspected hypertrophic cardiomyopathy (HCM; Supplementary File 2, van Lint et al. 2019. PubMed ID: 30847666), or a suspected arrhythmogenic disorder (Supplementary Material 2, Martin et al. 2024. PubMed IDs: 39068400 and 39482628); however, clinical details are limited or absent for these cases. This variant has also been reported in the heterozygous state in a patient with arrhythmogenic right ventricular cardiomyopathy (ARVC) who was also heterozygous for a pathogenic variant in the PKP2 gene (c.2146-1G>C) that could serve as an alternate genetic explanation for disease (Kalantarian et al. 2021. PubMed ID: 33722762). This variant is reported in 0.013% of alleles in individuals of European (non-Finnish) descent in gnomAD and has conflicting interpretations regarding its pathogenicity in ClinVar, ranging from likely benign to uncertain (Variation ID: 199851). At this time, the clinical significance of this variant is uncertain due to the absence of conclusive functional and genetic evidence.

Ambry Genetics
Classification: Likely benign for Cardiovascular phenotype. Last evaluated: 2026-02-13. Review status: criteria provided, single submitter. Criteria: Ambry Variant Classification Scheme 2023. Collection method: clinical testing. Allele origin: germline.

Labcorp Genetics (formerly Invitae), Labcorp
Classification: Likely benign for Arrhythmogenic cardiomyopathy with wooly hair and keratoderma; Arrhythmogenic right ventricular dysplasia 8. Last evaluated: 2026-01-26. Review status: criteria provided, single submitter. Criteria: Invitae Variant Classification Sherloc (09022015). Collection method: clinical testing. Allele origin: germline.

GeneDx
Classification: Uncertain significance. Last evaluated: 2025-09-24. Review status: criteria provided, single submitter. Criteria: GeneDx Variant Classification Process June 2021. Collection method: clinical testing. Allele origin: germline. Affected: yes.
Comment: Identified in patients with HCM, DCM, and ARVC in published literature (PMID: 33722762, 27532257, 30847666); at least one patient harbored a pathogenic variant in another cardiomyopathy gene; In silico analysis suggests that this missense variant does not alter protein structure/function; This variant is associated with the following publications: (PMID: 30847666, 33722762, 27532257, 37937776, 37652022)

Blueprint Genetics
Classification: Likely benign. Last evaluated: 2024-04-29. Review status: criteria provided, single submitter. Criteria: ACMG Guidelines, 2015. Collection method: clinical testing. Allele origin: germline.

Color Diagnostics, LLC DBA Color Health
Classification: Likely benign for Cardiomyopathy. Last evaluated: 2024-03-19. Review status: criteria provided, single submitter. Criteria: ACMG Guidelines, 2015. Collection method: clinical testing. Allele origin: germline.

All of Us Research Program, National Institutes of Health
Classification: Uncertain significance for Arrhythmogenic cardiomyopathy with wooly hair and keratoderma. Last evaluated: 2024-01-11. Review status: criteria provided, single submitter. Criteria: ACMG Guidelines, 2015. Collection method: clinical testing. Allele origin: germline. Inheritance: Autosomal dominant inheritance. Observed: 31 variant alleles, 31 heterozygotes.
Comment: This missense variant replaces cysteine with phenylalanine at codon 174 of the DSP protein. Computational prediction suggests that this variant may not impact protein structure and function (internally defined REVEL score threshold <= 0.5, PMID: 27666373). To our knowledge, functional studies have not been reported for this variant. This variant has been reported in an individual affected with dilated cardiomyopathy (PMID: 27532257), an individual suspected of having hypertrophic cardiomyopathy (PMID: 30847666), an individual with normal cardiac MRI and echocardiogram (PMID: 33029862), and in an individual affected with arrhythmogenic right ventricular cardiomyopathy, who also carried a pathogenic variant in the PKP2 gene that could explain the observed phenotype (PMID: 33722762). This variant has been identified in 20/282706 chromosomes in the general population by the Genome Aggregation Database (gnomAD). The available evidence is insufficient to determine the role of this variant in disease conclusively. Therefore, this variant is classified as a Variant of Uncertain Significance.

This study involves interpretation of variants in research participants for the purpose of population health screening. Participant phenotype was not available at the time of variant classification. Additional details can be found in publication PMID: 35346344, PMCID: PMC8962531

Fulgent Genetics
Classification: Uncertain significance for Arrhythmogenic cardiomyopathy with wooly hair and keratoderma; Arrhythmogenic right ventricular dysplasia 8; Lethal acantholytic epidermolysis bullosa; Keratosis palmoplantaris striata 2; Cardiomyopathy, dilated, with wooly hair, keratoderma, and tooth agenesis. Last evaluated: 2021-09-28. Review status: criteria provided, single submitter. Criteria: ACMG Guidelines, 2015. Collection method: clinical testing. Allele origin: unknown.

Mayo Clinic Laboratories, Mayo Clinic
Classification: Uncertain significance. Last evaluated: 2021-08-30. Review status: criteria provided, single submitter. Criteria: ACMG Guidelines, 2015. Collection method: clinical testing. Allele origin: germline.

Women's Health and Genetics/Laboratory Corporation of America, LabCorp
Classification: Uncertain significance. Last evaluated: 2019-06-17. Review status: criteria provided, single submitter. Criteria: LabCorp Variant Classification Summary - May 2015. Collection method: clinical testing. Allele origin: germline.
Comment: Variant summary: DSP c.521G>T (p.Cys174Phe) results in a non-conservative amino acid change in the encoded protein sequence. Three of five in-silico tools predict a benign effect of the variant on protein function. The variant allele was found at a frequency of 5.6e-05 in 251302 control chromosomes (gnomAD). The observed variant frequency is approximately 6-folds over the estimated maximal expected allele frequency for a pathogenic variant in DSP causing Arrhythmia phenotype (1e-05), strongly suggesting that the variant is benign. c.521G>T has been reported in the literature in an individual with DCM, without strong evidence for causality (Walsh_2017). This report does not provide an unequivocal conclusion about association of the variant with Arrhythmia. To our knowledge, no experimental evidence demonstrating an impact on protein function has been reported. Two ClinVar submissions from clinical diagnostic laboratories (evaluation after 2014) cite the variant as uncertain significance. Based on the evidence outlined above, the variant was classified as VUS - possibly benign.

ARUP Laboratories, Molecular Genetics and Genomics, ARUP Laboratories
Classification: Uncertain significance. Last evaluated: 2018-12-12. Review status: criteria provided, single submitter. Criteria: ARUP Molecular Germline Variant Investigation Process. Collection method: clinical testing. Allele origin: germline.
Comment: The DSP c.521G>T; p.Cys174Phe variant (rs377507763), is reported in the literature in at least one individual affected with dilated cardiomyopathy (Walsh 2017). This variant is reported as uncertain significance by multiple laboratories in ClinVar (Variation ID: 199851), and is found in the non-Finnish European population with an allele frequency of 0.013% (17/129,018 alleles) in the Genome Aggregation Database. The cysteine at codon 174 is weakly conserved, and computational analyses (SIFT: damaging, PolyPhen-2: benign) predict conflicting effects of this variant on protein structure/function. Due to limited information, the clinical significance of the p.Cys174Phe variant is uncertain at this time. References: Walsh R et al. Reassessment of Mendelian gene pathogenicity using 7,855 cardiomyopathy cases and 60,706 reference samples. Genet Med. 2017 Feb;19(2):192-203.

Literature cited by the submitters: PubMed 27532257 (cited by 3 submitters); PubMed 30847666 (cited by Ambry Genetics and All of Us Research Program, National Institutes of Health); PubMed 33029862 (cited by Ambry Genetics and All of Us Research Program, National Institutes of Health); PubMed 33722762 (cited by Ambry Genetics and All of Us Research Program, National Institutes of Health); PubMed 37652022 (cited by Ambry Genetics); PubMed 39482628 (cited by Ambry Genetics).

NM_004415.4(DSP):c.521G>T (p.Cys174Phe)

Gene: DSP (desmoplakin; plus strand). Cytogenetic location: 6p24.3.
Variant type: single nucleotide variant.
Coding change: c.521G>T on transcript NM_004415.4 (MANE Select); coding-DNA position 521, G replaced by T.
Protein change: p.Cys174Phe; replaces cysteine 174 with phenylalanine.
Molecular consequence: missense variant.
Genome position (GRCh38, 1-based): chr6:7,559,324, G>T. VCF-style: chr6-7559324-G-T. GRCh37 (hg19) VCF-style: chr6-7559557-G-T.
Other names: p.C174F:TGT>TTT; p.Cys174Phe; c.521G>T (LRG_423t1, NM_004415.3); c.521G>T, p.Cys174Phe (NM_001008844.3, NM_001319034.2); short protein forms C174F.
Identifiers: ClinVar variation 199851 (VCV000199851.48), dbSNP rs377507763, ClinGen allele CA006407.
Genomic context (GRCh38, chr6:7,559,324, plus strand): 5'-AAGCCATCAGTGTCCCTCGAGTCCGCAGGGCCAGCTCCAAGGGTGGTGGAGGCTACACTT[G>T]TCAGAGTGGCTCTGGCTGGGATGAGTTCACCAAACATGTCACCAGTGAATGTTTGGGGTG-3'
Protein context (NP_004406.2, residues 164-184): ASSKGGGGYT[Cys174Phe]QSGSGWDEFT